The following is an entry in ClinVar:

ClinVar aggregate classification (germline): Uncertain significance (1 of 4 stars; one submission).

gnomAD v4.1: 3 of 1,585,688 alleles (0.00019%); highest among the groups gnomAD compares: Non-Finnish European, 0.000086%; no homozygotes.

Submission:

Women's Health and Genetics/Laboratory Corporation of America, LabCorp
Classification: Uncertain significance. Last evaluated: 2023-10-26. Review status: criteria provided, single submitter. Criteria: LabCorp Variant Classification Summary - May 2015. Collection method: clinical testing. Allele origin: germline.
Comment: Variant summary: DDX6 c.1186C>T (p.Arg396X) results in a premature termination codon, predicted to cause a truncation of the encoded protein or absence of the protein due to nonsense mediated decay, however current evidence is not sufficient to establish loss-of-function variants in DDX6 as causative of disease. The variant allele was found at a frequency of 4.1e-06 in 243462 control chromosomes. The available data on variant occurrences in the general population are insufficient to allow any conclusion about variant significance. To our knowledge, no occurrence of c.1186C>T in individuals affected with Intellectual Developmental Disorder With Impaired Language And Dysmorphic Facies and no experimental evidence supporting haploinsufficiency of DDX6 as mechanism of disease have been reported. No submitters have cited clinical-significance assessments for this variant to ClinVar after 2014. Based on the evidence outlined above, the variant was classified as uncertain significance.

NM_004397.6(DDX6):c.1186C>T (p.Arg396Ter)

Gene: DDX6 (DEAD-box helicase 6; minus strand). Cytogenetic location: 11q23.3.
Variant type: single nucleotide variant.
Coding change: c.1186C>T on transcript NM_004397.6 (MANE Select); coding-DNA position 1186, C replaced by T.
Protein change: p.Arg396Ter; replaces arginine 396 with a stop codon.
Molecular consequence: nonsense.
Genome position (GRCh38, 1-based): chr11:118,755,492, G>A on the plus strand (C>T on the coding strand, the complement: DDX6 is on the minus strand). VCF-style: chr11-118755492-G-A. GRCh37 (hg19) VCF-style: chr11-118626201-G-A.
Other names: c.1186C>T, p.Arg396Ter (NM_001257191.3); short protein forms R396*.
Identifiers: ClinVar variation 2637497 (VCV002637497.1), dbSNP rs1555158525, ClinGen allele CA382887409.